The following is an entry in ClinVar:

ClinVar aggregate classification (germline): Benign. Review status: criteria provided, single submitter (1 of 4 stars). 2 submissions from 1 submitter: Benign (2). Last evaluated 2018-01-13.

Conditions:
Ocular cystinosis. Also called: Non-Nephropathic (Ocular) Cystinosis; Non-Nephropathic Cystinosis. Identifiers: Orphanet 213, Orphanet 411641, MedGen C2931013, MONDO:0009064, OMIM 219750.
Nephropathic cystinosis (CTNS). Also called: CYSTINOSIN, DEFECT OF; LYSOSOMAL CYSTINE TRANSPORT PROTEIN, DEFECT OF; Abderhalden Lignac Kaufmann disease; Abderhalden-Kaufmann-Lignac syndrome. Identifiers: Orphanet 213, Orphanet 411629, MedGen C2931187, MONDO:0100151, OMIM 219800.

Allele frequency attached by ClinVar (database versions not stated): 1000 Genomes Project 30x 0.00953; 1000 Genomes Project 0.00958; TOPMed 0.00966.

Submissions (2):

Illumina Laboratory Services, Illumina
Classification: Benign for Ocular cystinosis. Last evaluated: 2018-01-13. Review status: criteria provided, single submitter. Criteria: ICSL Variant Classification Criteria 13 December 2019. Collection method: clinical testing. Allele origin: germline.
Comment: This variant was observed in the ICSL laboratory as part of a predisposition screen in an ostensibly healthy population. It had not been previously curated by ICSL or reported in the Human Gene Mutation Database (HGMD: prior to June 1st, 2018), and was therefore a candidate for classification through an automated scoring system. Utilizing variant allele frequency, disease prevalence and penetrance estimates, and inheritance mode, an automated score was calculated to assess if this variant is too frequent to cause the disease. Based on the score and internal cut-off values, a variant classified as benign is not then subjected to further curation. The score for this variant resulted in a classification of benign for this disease.

Illumina Laboratory Services, Illumina
Classification: Benign for Nephropathic cystinosis. Last evaluated: 2018-01-13. Review status: criteria provided, single submitter. Criteria: ICSL Variant Classification Criteria 13 December 2019. Collection method: clinical testing. Allele origin: germline.
Comment: the same text as in the submission from Illumina Laboratory Services, Illumina above.

NM_004937.3(CTNS):c.*1128G>A

Gene: CTNS (cystinosin, lysosomal cystine transporter; plus strand). Cytogenetic location: 17p13.2.
Variant type: single nucleotide variant.
Coding change: c.*1128G>A on transcript NM_004937.3 (MANE Select); 1128 bases downstream of the stop codon, G replaced by A.
Molecular consequence: 3 prime UTR variant.
Genome position (GRCh38, 1-based): chr17:3,661,497, G>A. VCF-style: chr17-3661497-G-A. GRCh37 (hg19) VCF-style: chr17-3564791-G-A.
Other names: c.*763G>A (NM_001031681.3, NM_001374492.1); c.*1128G>A (NM_001374493.1, NM_001374494.1, NM_001374495.1 and 1 more transcripts).
Identifiers: ClinVar variation 889385 (VCV000889385.4), dbSNP rs115643745, ClinGen allele CA287023029.